The following is an entry in ClinVar:

NM_001330195.2(NRXN3):c.4094-22_4094-21del

Gene: NRXN3 (neurexin 3; plus strand). Cytogenetic location: 14q31.1.
Variant type: Microsatellite.
Coding change: c.4094-22_4094-21del on transcript NM_001330195.2 (MANE Select); 22 bases into the intron before coding-DNA position 4094 through 21 bases into the intron before coding-DNA position 4094, 2 bases deleted (AC; older notation c.4094-22_4094-21delAC).
Molecular consequence: intron variant. On other transcripts: frameshift variant (1), non-coding transcript variant (5).
Genome position (GRCh38, 1-based): chr14:79,861,320-79,861,321, AC deleted; deleting any 2 consecutive bases within chr14:79,861,318-79,861,321 gives the same sequence; the c. name uses the placement nearest the transcript's 3' end. VCF-style (leftmost placement, unchanged base first): chr14-79861317-TAC-T. GRCh37 (hg19) VCF-style: chr14-80327660-TAC-T.
Other names: c.1270_1271del, p.Thr424fs (NM_001272020.2); c.4106-343_4106-342del (NM_001366426.1); c.4004-22_4004-21del (NM_001366425.1); c.2885-343_2885-342del (NM_004796.6); c.1079-343_1079-342del (NM_001105250.3); c.998-343_998-342del (NM_138970.5); short protein forms T424fs.
Identifiers: ClinVar variation 2635930 (VCV002635930.1), dbSNP rs2510812714, ClinGen allele CA2540749249.

ClinVar aggregate classification (germline): Uncertain significance (1 of 4 stars; one submission).

Conditions:
NRXN3-related disorder. Also called: NRXN3-related condition.

Submission:

PreventionGenetics, part of Exact Sciences
Classification: Uncertain significance for NRXN3-related condition. Last evaluated: 2022-11-08. Review status: criteria provided, single submitter. Criteria: ACMG Guidelines, 2015. Collection method: clinical testing. Allele origin: germline.
Comment: The NRXN3 c.1270_1271delAC variant is predicted to result in a frameshift and premature protein termination (p.Thr425Leufs*7). However, this variant is non-coding in several other NRXN3 transcripts. To our knowledge, this variant has not been reported in the literature or in a large population database, indicating this variant is rare. Although we suspect that this variant may be pathogenic, at this time, the clinical significance of this variant is uncertain due to the absence of conclusive functional and genetic evidence.